The following is an entry in ClinVar:

NM_001367624.2(ZNF469):c.8471A>T (p.Asn2824Ile)

Gene: ZNF469 (zinc finger protein 469; plus strand). Cytogenetic location: 16q24.2.
Variant type: single nucleotide variant.
Coding change: c.8471A>T on transcript NM_001367624.2 (MANE Select); coding-DNA position 8471, A replaced by T.
Protein change: p.Asn2824Ile; replaces asparagine 2824 with isoleucine.
Molecular consequence: missense variant.
Genome position (GRCh38, 1-based): chr16:88,435,941, A>T. VCF-style: chr16-88435941-A-T. GRCh37 (hg19) VCF-style: chr16-88502349-A-T.
Other names: NM_001127464.1:c.8387A>T; short protein forms N2824I.
Identifiers: ClinVar variation 1763173 (VCV001763173.2), dbSNP rs2507599785, ClinGen allele CA397117991.

ClinVar aggregate classification (germline): Uncertain significance (1 of 4 stars; one submission).

Conditions:
Cardiovascular phenotype. Identifiers: MedGen CN230736.

Submission:

Ambry Genetics
Classification: Uncertain significance for Cardiovascular phenotype. Last evaluated: 2021-11-19. Review status: criteria provided, single submitter. Criteria: Ambry Variant Classification Scheme 2023. Collection method: clinical testing. Allele origin: germline.
Comment: The p.N2796I variant (also known as c.8387A>T), located in coding exon 2 of the ZNF469 gene, results from an A to T substitution at nucleotide position 8387. The asparagine at codon 2796 is replaced by isoleucine, an amino acid with dissimilar properties. This amino acid position is conserved. In addition, this alteration is predicted to be tolerated by in silico analysis. Since supporting evidence is limited at this time, the clinical significance of this alteration remains unclear.